The following is an entry in ClinVar:

ClinVar aggregate classification (germline): Uncertain significance. Review status: criteria provided, multiple submitters, no conflicts (2 of 4 stars). 4 submissions from 4 submitters: Uncertain significance (4). Last evaluated 2026-08-04.

Conditions:
Cardiovascular phenotype. Identifiers: MedGen CN230736.
Hypertrophic cardiomyopathy. Also called: HYPERTROPHIC MYOCARDIOPATHY. Identifiers: Orphanet 217569, MedGen C0007194, MeSH D002312, MONDO:0005045, HP:0001639.

Allele frequency attached by ClinVar (database versions not stated): gnomAD 0.00001; TOPMed 0.00002.
gnomAD v4.1: 1 of 1,613,740 alleles (0.000062%); highest among the groups gnomAD compares: African/African-American, 0.0013%; no homozygotes.

Submissions (4):

GeneDx
Classification: Uncertain significance. Last evaluated: 2026-08-04. Review status: criteria provided, single submitter. Criteria: GeneDx Variant Classification Process June 2021. Collection method: clinical testing. Allele origin: germline.
Comment: Not observed at significant frequency in large population cohorts (gnomAD); In silico analysis suggests that this missense variant does not alter protein structure/function; Has not been previously published as pathogenic or benign to our knowledge

Ambry Genetics
Classification: Uncertain significance for Cardiovascular phenotype. Last evaluated: 2025-09-25. Review status: criteria provided, single submitter. Criteria: Ambry Variant Classification Scheme 2023. Collection method: clinical testing. Allele origin: germline.
Comment: The p.L1221V variant (also known as c.3661C>G), located in coding exon 33 of the MYBPC3 gene, results from a C to G substitution at nucleotide position 3661. The leucine at codon 1221 is replaced by valine, an amino acid with highly similar properties. This amino acid position is conserved. In addition, this alteration is predicted to be tolerated by in silico analysis. Since supporting evidence is limited at this time, the clinical significance of this alteration remains unclear.

Labcorp Genetics (formerly Invitae), Labcorp
Classification: Uncertain significance for Hypertrophic cardiomyopathy. Last evaluated: 2025-09-25. Review status: criteria provided, single submitter. Criteria: Invitae Variant Classification Sherloc (09022015). Collection method: clinical testing. Allele origin: germline.
Comment: This sequence change replaces leucine, which is neutral and non-polar, with valine, which is neutral and non-polar, at codon 1221 of the MYBPC3 protein (p.Leu1221Val). This variant is not present in population databases (gnomAD no frequency). This variant has not been reported in the literature in individuals affected with MYBPC3-related conditions. ClinVar contains an entry for this variant (Variation ID: 565980). An algorithm developed to predict the effect of missense changes on protein structure and function (PolyPhen-2) suggests that this variant is likely to be disruptive. In summary, the available evidence is currently insufficient to determine the role of this variant in disease. Therefore, it has been classified as a Variant of Uncertain Significance.

Blueprint Genetics
Classification: Uncertain significance. Last evaluated: 2021-03-17. Review status: criteria provided, single submitter. Criteria: ACMG Guidelines, 2015. Collection method: clinical testing. Allele origin: germline.

NM_000256.3(MYBPC3):c.3661C>G (p.Leu1221Val)

Gene: MYBPC3 (myosin binding protein C3; minus strand). Cytogenetic location: 11p11.2.
Variant type: single nucleotide variant.
Coding change: c.3661C>G on transcript NM_000256.3 (MANE Select); coding-DNA position 3661, C replaced by G.
Protein change: p.Leu1221Val; replaces leucine 1221 with valine.
Molecular consequence: missense variant.
Genome position (GRCh38, 1-based): chr11:47,332,225, G>C on the plus strand (C>G on the coding strand, the complement: MYBPC3 is on the minus strand). VCF-style: chr11-47332225-G-C. GRCh37 (hg19) VCF-style: chr11-47353776-G-C.
Other names: c.3661C>G, p.Leu1221Val (LRG_386t1); short protein forms L1221V.
Identifiers: ClinVar variation 565980 (VCV000565980.16), dbSNP rs1351250957, ClinGen allele CA380311708.
Genomic context (GRCh38, chr11:47,332,225, plus strand): 5'-TAATCTCCAGAGTCAACACTCCCTGCTTGCTGAACATGCGGAAGCGGGCGTCTTCTCCCA[G>C]GTCCAGGCCATTCTTGAACCAGGAAATCTTGGGCTATAAATAAGGTAAAGAGAGGGAGGG-3'
Protein context (NP_000247.2, residues 1211-1231): KISWFKNGLD[Leu1221Val]GEDARFRMFS